The following is an entry in ClinVar:

ClinVar aggregate classification (germline): Benign. Review status: criteria provided, multiple submitters, no conflicts (2 of 4 stars). 7 submissions from 7 submitters: Benign (6). 1 of the submissions does not count toward it. Last evaluated 2026-02-02.

Conditions:
Ehlers-Danlos syndrome (EDS). Identifiers: Orphanet 98249, MedGen C0013720, MONDO:0020066.
Ehlers-Danlos syndrome, dermatosparaxis type. Also called: EDS VIIC; Dermatosparaxis; Ehlers-Danlos syndrome, type VII, autosomal recessive. Identifiers: Orphanet 1901, MedGen C2700425, MONDO:0009161, OMIM 225410.

Allele frequency attached by ClinVar (database versions not stated): gnomAD exomes 0.00271 and 0.00658; ExAC 0.02033; gnomAD 0.02805 and 0.02988; ESP Exome Variant Server 0.03100; 1000 Genomes Project 0.03115; TOPMed 0.03128; 1000 Genomes Project 30x 0.03264.
gnomAD v4.1: 8,318 of 1,578,886 alleles (0.53%); highest among the groups gnomAD compares: African/African-American, 9.7%; 406 homozygotes.

Submissions (7):

Labcorp Genetics (formerly Invitae), Labcorp
Classification: Benign for Ehlers-Danlos syndrome, dermatosparaxis type. Last evaluated: 2026-02-02. Review status: criteria provided, single submitter. Criteria: Invitae Variant Classification Sherloc (09022015). Collection method: clinical testing. Allele origin: germline.

Women's Health and Genetics/Laboratory Corporation of America, LabCorp
Classification: Benign. Last evaluated: 2026-01-22. Review status: criteria provided, single submitter. Criteria: LabCorp Variant Classification Summary - May 2015. Collection method: clinical testing. Allele origin: germline.

Genome Diagnostics Laboratory, The Hospital for Sick Children
Classification: Benign for Ehlers-Danlos syndrome. Last evaluated: 2021-04-12. Review status: criteria provided, single submitter. Criteria: ACMG Guidelines, 2015. Collection method: clinical testing. Allele origin: germline.

Mayo Clinic Laboratories, Mayo Clinic
Classification: Benign. Last evaluated: 2019-08-01. Review status: criteria provided, single submitter. Criteria: ACMG Guidelines, 2015. Collection method: clinical testing. Allele origin: germline. Observed: 38 variant alleles.

Illumina Laboratory Services, Illumina
Classification: Benign for Ehlers-Danlos syndrome, dermatosparaxis type. Last evaluated: 2018-01-13. Review status: criteria provided, single submitter. Criteria: ICSL Variant Classification Criteria 13 December 2019. Collection method: clinical testing. Allele origin: germline.
Comment: This variant was observed in the ICSL laboratory as part of a predisposition screen in an ostensibly healthy population. It had not been previously curated by ICSL or reported in the Human Gene Mutation Database (HGMD: prior to June 1st, 2018), and was therefore a candidate for classification through an automated scoring system. Utilizing variant allele frequency, disease prevalence and penetrance estimates, and inheritance mode, an automated score was calculated to assess if this variant is too frequent to cause the disease. Based on the score and internal cut-off values, a variant classified as benign is not then subjected to further curation. The score for this variant resulted in a classification of benign for this disease.

GeneDx
Classification: Benign. Last evaluated: 2016-10-14. Review status: criteria provided, single submitter. Criteria: GeneDx Variant Classification (06012015). Collection method: clinical testing. Allele origin: germline. Affected: yes.
Comment: This variant is considered likely benign or benign based on one or more of the following criteria: it is a conservative change, it occurs at a poorly conserved position in the protein, it is predicted to be benign by multiple in silico algorithms, and/or has population frequency not consistent with disease.

Natera, Inc.
Classification: Benign for Ehlers-Danlos syndrome type VIIC. Last evaluated: 2020-09-16. Review status: no assertion criteria provided. Collection method: clinical testing. Allele origin: germline. Not counted in ClinVar's aggregate classification.

NM_014244.5(ADAMTS2):c.1908C>T (p.His636=)

Gene: ADAMTS2 (ADAM metallopeptidase with thrombospondin type 1 motif 2; minus strand). Cytogenetic location: 5q35.3.
Variant type: single nucleotide variant.
Coding change: c.1908C>T on transcript NM_014244.5 (MANE Select); coding-DNA position 1908, C replaced by T.
Protein change: p.His636=; no amino-acid change (histidine 636 retained).
Molecular consequence: synonymous variant.
Genome position (GRCh38, 1-based): chr5:179,137,812, G>A on the plus strand (C>T on the coding strand, the complement: ADAMTS2 is on the minus strand). VCF-style: chr5-179137812-G-A. GRCh37 (hg19) VCF-style: chr5-178564813-G-A.
Other names: p.His636=.
Identifiers: ClinVar variation 353117 (VCV000353117.20), dbSNP rs1862211, ClinGen allele CA3595749.